The following is an entry in ClinVar:

NM_000051.4(ATM):c.4355A>T (p.Asp1452Val)

Gene: ATM (ATM serine/threonine kinase; plus strand). Cytogenetic location: 11q22.3.
Variant type: single nucleotide variant.
Coding change: c.4355A>T on transcript NM_000051.4 (MANE Select); coding-DNA position 4355, A replaced by T.
Protein change: p.Asp1452Val; replaces aspartic acid 1452 with valine.
Molecular consequence: missense variant.
Genome position (GRCh38, 1-based): chr11:108,289,720, A>T. VCF-style: chr11-108289720-A-T. GRCh37 (hg19) VCF-style: chr11-108160447-A-T.
Other names: c.4355A>T, p.Asp1452Val (NM_001351834.2); short protein forms D1452V.
Identifiers: ClinVar variation 567830 (VCV000567830.10), dbSNP rs1565456579, ClinGen allele CA382532022.

ClinVar aggregate classification (germline): Uncertain significance (1 of 4 stars; one submission).

Conditions:
Ataxia-telangiectasia syndrome (AT). Also called: Ataxia telangiectasia (A-T); Ataxia-telangiectasia, complementation group D; AT, COMPLEMENTATION GROUP C; ATAXIA-TELANGIECTASIA, COMPLEMENTATION GROUP A; Ataxia-telangiectasia, complementation group E; ATAXIA-TELANGIECTASIA, FRESNO VARIANT. Identifiers: Orphanet 100, MedGen C0004135, MONDO:0008840, OMIM 208900.

Allele frequency attached by ClinVar (database versions not stated): gnomAD exomes below 0.00001.
gnomAD v4.1: 1 of 1,613,770 alleles (0.000062%); highest among the groups gnomAD compares: Non-Finnish European, 0.000085%; no homozygotes.

Submission:

Labcorp Genetics (formerly Invitae), Labcorp
Classification: Uncertain significance for Ataxia-telangiectasia syndrome. Last evaluated: 2025-07-18. Review status: criteria provided, single submitter. Criteria: Invitae Variant Classification Sherloc (09022015). Collection method: clinical testing. Allele origin: germline.
Comment: This sequence change replaces aspartic acid, which is acidic and polar, with valine, which is neutral and non-polar, at codon 1452 of the ATM protein (p.Asp1452Val). This variant is not present in population databases (gnomAD no frequency). This variant has not been reported in the literature in individuals affected with ATM-related conditions. ClinVar contains an entry for this variant (Variation ID: 567830). Invitae Evidence Modeling of protein sequence and biophysical properties (such as structural, functional, and spatial information, amino acid conservation, physicochemical variation, residue mobility, and thermodynamic stability) indicates that this missense variant is not expected to disrupt ATM protein function with a negative predictive value of 95%. In summary, the available evidence is currently insufficient to determine the role of this variant in disease. Therefore, it has been classified as a Variant of Uncertain Significance.